The following is an entry in ClinVar:

ClinVar aggregate classification (germline): Pathogenic (1 of 4 stars; one submission).

Submission:

Quest Diagnostics Nichols Institute San Juan Capistrano
Classification: Pathogenic. Last evaluated: 2023-08-14. Review status: criteria provided, single submitter. Criteria: ACMG/ClinGen CNV Guidelines, 2019. Collection method: clinical testing. Allele origin: unknown.
Comment: This copy number loss contains several protein-coding genes and overlaps the 1q21.1 recurrent region (distal BP3-BP4). Haploinsufficiency of this region is associated with 1q21.1 deletion syndrome (OMIM 612474; ISCA-37421; Haldeman-Englert 2015, Brunetti-Pierri 2008, Mefford 2008, Upadhyai 2020, Xie 2017, Cottrell 2020). Thus, this copy number variant is classified as pathogenic. References: Brunetti-Pierri N et al., Nat Genet. 2008; 40:1466-71, PMID: 1902990; Cottrell et al., Eur J Endocrinol. 2020 Dec;183(6):581-595. PMID: 33055295; Haldeman-Englert et al., GeneReviews [2015 Nov 12]. PMID: 21348049; Mefford HC et al., N Engl J Med 2008; 359:1685-99, PMID: 18784092; Upadhyai et al., Clin Dysmorphol. 2020 Jul;29(3):127-131. PMID: 32459673; Xie et al., Birth Defects Res. 2017 Mar 1;109(4):271-295. PMID: 28398664

GRCh37/hg19 1q21.1-21.2(chr1:146043713-147898062)x1

Genes: ACP6 (acid phosphatase 6, lysophosphatidic; minus strand), BCL9 (BCL9 transcription coactivator; plus strand), CHD1L (chromodomain helicase DNA binding protein 1 like; plus strand), FMO5 (flavin containing dimethylaniline monoxygenase 5; minus strand), GJA5 (gap junction protein alpha 5; minus strand) and 5 more. Cytogenetic location: 1q21.1-21.2.
Variant type: copy number loss.
Change: copy number 1 (one copy instead of two) of chr1:146,043,713-147,898,062 (1.85 Mb, GRCh37 coordinates, 1-based), cytogenetic band 1q21.1-21.2.
Identifiers: ClinVar variation 565172 (VCV000565172.2).